The following is an entry in ClinVar:

NM_001113378.2(FANCI):c.2953C>G (p.Leu985Val)

Gene: FANCI (FA complementation group I; plus strand). Cytogenetic location: 15q26.1.
Variant type: single nucleotide variant.
Coding change: c.2953C>G on transcript NM_001113378.2 (MANE Select); coding-DNA position 2953, C replaced by G.
Protein change: p.Leu985Val; replaces leucine 985 with valine.
Molecular consequence: missense variant.
Genome position (GRCh38, 1-based): chr15:89,301,389, C>G. VCF-style: chr15-89301389-C-G. GRCh37 (hg19) VCF-style: chr15-89844620-C-G.
Other names: c.2674C>G, p.Leu892Val (NM_001376910.1); c.2953C>G, p.Leu985Val (NM_001376911.1); c.2773C>G, p.Leu925Val (NM_018193.3); short protein forms L892V, L925V, L985V.
Identifiers: ClinVar variation 3013187 (VCV003013187.1), dbSNP rs2507935311, ClinGen allele CA393737792.
Genomic context (GRCh38, chr15:89,301,389, plus strand): 5'-TCCTTGTTGAATTTACTTAGCAGTCAAGAGGAAGATTTTAATAGCAAAGAAGCCCTCCTG[C>G]TAGTCACGGTTCTTACCAGTTTGTCCAAGTTACTGGAGCCCTCCTCTCCTCAGGTACTAG-3'
Protein context (NP_001106849.1, residues 975-995): EDFNSKEALL[Leu985Val]VTVLTSLSKL

ClinVar aggregate classification (germline): Uncertain significance (1 of 4 stars; one submission).

Conditions:
Fanconi anemia (FA). Also called: Fanconi's anemia. Identifiers: Orphanet 84, MedGen C0015625, MeSH D005199, MONDO:0019391.

Submission:

Labcorp Genetics (formerly Invitae), Labcorp
Classification: Uncertain significance for Fanconi anemia. Last evaluated: 2023-11-28. Review status: criteria provided, single submitter. Criteria: Invitae Variant Classification Sherloc (09022015). Collection method: clinical testing. Allele origin: germline.
Comment: This sequence change replaces leucine, which is neutral and non-polar, with valine, which is neutral and non-polar, at codon 985 of the FANCI protein (p.Leu985Val). This variant is not present in population databases (gnomAD no frequency). This variant has not been reported in the literature in individuals affected with FANCI-related conditions. Advanced modeling of protein sequence and biophysical properties (such as structural, functional, and spatial information, amino acid conservation, physicochemical variation, residue mobility, and thermodynamic stability) performed at Invitae indicates that this missense variant is not expected to disrupt FANCI protein function with a negative predictive value of 80%. In summary, the available evidence is currently insufficient to determine the role of this variant in disease. Therefore, it has been classified as a Variant of Uncertain Significance.